The following is an entry in ClinVar:

ClinVar aggregate classification (germline): Pathogenic (1 of 4 stars; one submission).

Conditions:
Cardiovascular phenotype. Identifiers: MedGen CN230736.

Submission:

Ambry Genetics
Classification: Pathogenic for Cardiovascular phenotype. Last evaluated: 2022-06-02. Review status: criteria provided, single submitter. Criteria: Ambry Variant Classification Scheme 2023. Collection method: clinical testing. Allele origin: germline.
Comment: The c.1749delT variant, located in coding exon 11 of the FLNC gene, results from a deletion of one nucleotide at nucleotide position 1749, causing a translational frameshift with a predicted alternate stop codon (p.G584Afs*87). This variant is considered to be rare based on population cohorts in the Genome Aggregation Database (gnomAD). This alteration is expected to result in loss of function by premature protein truncation or nonsense-mediated mRNA decay. As such, this alteration is interpreted as a disease-causing mutation.

NM_001458.5(FLNC):c.1749del (p.Gly584fs)

Gene: FLNC (filamin C; plus strand). Cytogenetic location: 7q32.1.
Variant type: Deletion.
Coding change: c.1749del on transcript NM_001458.5 (MANE Select); coding-DNA position 1749, one base deleted (T; older notation c.1749delT).
Protein change: p.Gly584fs; shifts the reading frame from glycine 584.
Molecular consequence: frameshift variant.
Genome position (GRCh38, 1-based): chr7:128,840,906, T deleted. VCF-style (leftmost placement, unchanged base first): chr7-128840905-CT-C. GRCh37 (hg19) VCF-style: chr7-128480959-CT-C.
Other names: c.1749del, p.Gly584fs (NM_001127487.2); short protein forms G584fs.
Identifiers: ClinVar variation 1779340 (VCV001779340.2), dbSNP rs2536627242, ClinGen allele CA2580076635.